The following is an entry in ClinVar:

NM_001854.4(COL11A1):c.2611-4C>T

Gene: COL11A1 (collagen type XI alpha 1 chain; minus strand). Cytogenetic location: 1p21.1.
Variant type: single nucleotide variant.
Coding change: c.2611-4C>T on transcript NM_001854.4 (MANE Select); 4 bases into the intron before coding-DNA position 2611, C replaced by T.
Molecular consequence: intron variant.
Genome position (GRCh38, 1-based): chr1:102,979,108, G>A on the plus strand (C>T on the coding strand, the complement: COL11A1 is on the minus strand). VCF-style: chr1-102979108-G-A. GRCh37 (hg19) VCF-style: chr1-103444664-G-A.
Other names: c.2494-4C>T (NM_001190709.2); c.2647-4C>T (NM_080629.3); c.2263-4C>T (NM_080630.4).
Identifiers: ClinVar variation 258446 (VCV000258446.19), dbSNP rs79505593, ClinGen allele CA974351.

ClinVar aggregate classification (germline): Benign. Review status: criteria provided, multiple submitters, no conflicts (2 of 4 stars). 9 submissions from 8 submitters: Benign (9). Last evaluated 2026-05-11.

Conditions:
Fibrochondrogenesis 1 (FBCG1). Identifiers: Orphanet 2021, MedGen C3278138, MONDO:0009226, OMIM 228520.
Stickler syndrome type 2 (STL2). Also called: COL11A1-Related Stickler Syndrome; STICKLER SYNDROME, TYPE II; STICKLER SYNDROME, BEADED VITREOUS TYPE; STICKLER SYNDROME, VITREOUS TYPE 2. Identifiers: Orphanet 828, Orphanet 90654, MedGen C1858084, MONDO:0011493, OMIM 604841.
Marshall syndrome (MRSHS). Identifiers: Orphanet 560, MedGen C0265235, MONDO:0007949, OMIM 154780.
Hearing loss, autosomal dominant 37. Also called: DEAFNESS, AUTOSOMAL DOMINANT 37. Identifiers: MedGen C4760307, MONDO:0032802, OMIM 618533.
Intervertebral disc disorder (IDD). Also called: INTERVERTEBRAL DISC DISEASE; Lumbar disk degenerative disorder. Identifiers: MedGen C0158252, MONDO:0044339, OMIM 603932.

Allele frequency attached by ClinVar (database versions not stated): 1000 Genomes Project 30x 0.01374; gnomAD 0.01381 and 0.01276; TOPMed 0.01494; gnomAD exomes 0.00116 and 0.00320; ExAC 0.00395; 1000 Genomes Project 0.01178; ESP Exome Variant Server 0.01338.
gnomAD v4.1: 3,704 of 1,613,910 alleles (0.23%); highest among the groups gnomAD compares: African/African-American, 4.4%; 72 homozygotes.

Submissions (9):

Women's Health and Genetics/Laboratory Corporation of America, LabCorp
Classification: Benign. Last evaluated: 2026-05-11. Review status: criteria provided, single submitter. Criteria: LabCorp Variant Classification Summary - May 2015. Collection method: clinical testing. Allele origin: germline.

Labcorp Genetics (formerly Invitae), Labcorp
Classification: Benign. Last evaluated: 2026-02-02. Review status: criteria provided, single submitter. Criteria: Invitae Variant Classification Sherloc (09022015). Collection method: clinical testing. Allele origin: germline.

ARUP Laboratories, Molecular Genetics and Genomics, ARUP Laboratories
Classification: Benign. Last evaluated: 2023-11-29. Review status: criteria provided, single submitter. Criteria: ARUP Molecular Germline Variant Investigation Process 2024. Collection method: clinical testing. Allele origin: germline.

Fulgent Genetics
Classification: Benign for Marshall syndrome; Fibrochondrogenesis 1; Intervertebral disc disorder; Stickler syndrome type 2; Hearing loss, autosomal dominant 37. Last evaluated: 2021-07-30. Review status: criteria provided, single submitter. Criteria: ACMG Guidelines, 2015. Collection method: clinical testing. Allele origin: unknown.

Illumina Laboratory Services, Illumina
Classification: Benign for Fibrochondrogenesis 1. Last evaluated: 2018-01-12. Review status: criteria provided, single submitter. Criteria: ICSL Variant Classification Criteria 13 December 2019. Collection method: clinical testing. Allele origin: germline.
Comment: This variant was observed in the ICSL laboratory as part of a predisposition screen in an ostensibly healthy population. It had not been previously curated by ICSL or reported in the Human Gene Mutation Database (HGMD: prior to June 1st, 2018), and was therefore a candidate for classification through an automated scoring system. Utilizing variant allele frequency, disease prevalence and penetrance estimates, and inheritance mode, an automated score was calculated to assess if this variant is too frequent to cause the disease. Based on the score and internal cut-off values, a variant classified as benign is not then subjected to further curation. The score for this variant resulted in a classification of benign for this disease.

Illumina Laboratory Services, Illumina
Classification: Benign for Stickler syndrome type 2. Last evaluated: 2018-01-12. Review status: criteria provided, single submitter. Criteria: ICSL Variant Classification Criteria 13 December 2019. Collection method: clinical testing. Allele origin: germline.
Comment: the same text as in the submission from Illumina Laboratory Services, Illumina above.

GeneDx
Classification: Benign. Last evaluated: 2016-11-14. Review status: criteria provided, single submitter. Criteria: GeneDx Variant Classification (06012015). Collection method: clinical testing. Allele origin: germline. Affected: yes.
Comment: This variant is considered likely benign or benign based on one or more of the following criteria: it is a conservative change, it occurs at a poorly conserved position in the protein, it is predicted to be benign by multiple in silico algorithms, and/or has population frequency not consistent with disease.

Breakthrough Genomics
Classification: Benign. Review status: criteria provided, single submitter. Criteria: ACMG Guidelines, 2015. Collection method: not provided. Allele origin: germline. Inheritance: Autosomal recessive inheritance. Affected: yes.

PreventionGenetics, part of Exact Sciences
Classification: Benign. Review status: criteria provided, single submitter. Criteria: ACMG Guidelines, 2015. Collection method: clinical testing. Allele origin: germline.